The following is an entry in ClinVar:

ClinVar aggregate classification (germline): Uncertain significance (1 of 4 stars; one submission).

Conditions:
Inborn genetic diseases. Identifiers: MedGen C0950123, MeSH D030342.

gnomAD v4.1: 4 of 1,614,172 alleles (0.00025%); highest among the groups gnomAD compares: Non-Finnish European, 0.00025%; no homozygotes.

Submission:

Ambry Genetics
Classification: Uncertain significance for Inborn genetic diseases. Last evaluated: 2025-09-28. Review status: criteria provided, single submitter. Criteria: Ambry Variant Classification Scheme 2023. Collection method: clinical testing. Allele origin: germline.
Comment: The c.9496C>G (p.H3166D) alteration is located in exon 27 (coding exon 27) of the KMT2A gene. This alteration results from a C to G substitution at nucleotide position 9496, causing the histidine (H) at amino acid position 3166 to be replaced by an aspartic acid (D). Based on data from gnomAD, the G allele has an overall frequency of 0.003% (1/31416) total alleles studied. The highest observed frequency was 0.007% (1/15436) of European (non-Finnish) alleles. Based on insufficient or conflicting evidence, the clinical significance of this alteration remains unclear.

NM_001197104.2(KMT2A):c.9496C>G (p.His3166Asp)

Gene: KMT2A (lysine methyltransferase 2A; plus strand). Cytogenetic location: 11q23.3.
Variant type: single nucleotide variant.
Coding change: c.9496C>G on transcript NM_001197104.2 (MANE Select); coding-DNA position 9496, C replaced by G.
Protein change: p.His3166Asp; replaces histidine 3166 with aspartic acid.
Molecular consequence: missense variant.
Genome position (GRCh38, 1-based): chr11:118,505,388, C>G. VCF-style: chr11-118505388-C-G. GRCh37 (hg19) VCF-style: chr11-118376103-C-G.
Other names: c.9586C>G, p.His3196Asp (NM_001412597.1); c.9487C>G, p.His3163Asp (NM_005933.4); short protein forms H3196D, H3163D, H3166D.
Identifiers: ClinVar variation 4623052 (VCV004623052.1).